The following is an entry in ClinVar:

ClinVar aggregate classification (germline): Uncertain significance (1 of 4 stars; one submission).

Submission:

Labcorp Genetics (formerly Invitae), Labcorp
Classification: Uncertain significance. Last evaluated: 2019-07-12. Review status: criteria provided, single submitter. Criteria: Invitae Variant Classification Sherloc (09022015). Collection method: clinical testing. Allele origin: germline.
Comment: This variant is a sub-genic deletion of the genomic region encompassing exon 22 of the ADAMTS18 gene. While this deletion is not anticipated to result in nonsense mediated decay, it is expected to create a truncated protein product. This variant has not been reported in the literature in individuals with ADAMTS18-related conditions. In summary, the available evidence is currently insufficient to determine the role of this variant in disease. Therefore, it has been classified as a Variant of Uncertain Significance.

NC_000016.10:g.(?_77289264)_(77289411_?)del

Gene: ADAMTS18 (ADAM metallopeptidase with thrombospondin type 1 motif 18; minus strand). Cytogenetic location: 16q23.1.
Variant type: Deletion.
Identifiers: ClinVar variation 830730 (VCV000830730.1).